The following is an entry in ClinVar:

NM_001083961.2(WDR62):c.4358C>A (p.Thr1453Asn)

Gene: WDR62 (WD repeat domain 62; plus strand). Cytogenetic location: 19q13.12.
Variant type: single nucleotide variant.
Coding change: c.4358C>A on transcript NM_001083961.2 (MANE Select); coding-DNA position 4358, C replaced by A.
Protein change: p.Thr1453Asn; replaces threonine 1453 with asparagine.
Molecular consequence: missense variant.
Genome position (GRCh38, 1-based): chr19:36,104,814, C>A. VCF-style: chr19-36104814-C-A. GRCh37 (hg19) VCF-style: chr19-36595716-C-A.
Other names: c.4343C>A, p.Thr1448Asn (NM_173636.5); short protein forms T1448N, T1453N.
Identifiers: ClinVar variation 836810 (VCV000836810.9), dbSNP rs985446448, ClinGen allele CA405462246.

ClinVar aggregate classification (germline): Uncertain significance (1 of 4 stars; one submission).

Submission:

Labcorp Genetics (formerly Invitae), Labcorp
Classification: Uncertain significance. Last evaluated: 2019-12-17. Review status: criteria provided, single submitter. Criteria: Invitae Variant Classification Sherloc (09022015). Collection method: clinical testing. Allele origin: germline.
Comment: This variant is not present in population databases (ExAC no frequency). In summary, the available evidence is currently insufficient to determine the role of this variant in disease. Therefore, it has been classified as a Variant of Uncertain Significance. Algorithms developed to predict the effect of missense changes on protein structure and function output the following: SIFT: "Tolerated"; PolyPhen-2: "Benign"; Align-GVGD: "Class C0". The asparagine amino acid residue is found in multiple mammalian species, suggesting that this missense change does not adversely affect protein function. These predictions have not been confirmed by published functional studies and their clinical significance is uncertain. This variant has not been reported in the literature in individuals with WDR62-related conditions. This sequence change replaces threonine with asparagine at codon 1453 of the WDR62 protein (p.Thr1453Asn). The threonine residue is moderately conserved and there is a small physicochemical difference between threonine and asparagine.